The following is an entry in ClinVar:

NM_002294.3(LAMP2):c.864+6T>C

Gene: LAMP2 (lysosome associated membrane protein 2; minus strand). Cytogenetic location: Xq24.
Variant type: single nucleotide variant.
Coding change: c.864+6T>C on transcript NM_002294.3 (MANE Select); 6 bases into the intron after coding-DNA position 864, T replaced by C.
Molecular consequence: intron variant.
Genome position (GRCh38, 1-based): chrX:120,446,299, A>G on the plus strand (T>C on the coding strand, the complement: LAMP2 is on the minus strand). VCF-style: chrX-120446299-A-G. GRCh37 (hg19) VCF-style: chrX-119580154-A-G.
Other names: c.864+6T>C (NM_001122606.1, NM_013995.2).
Identifiers: ClinVar variation 1473073 (VCV001473073.8), dbSNP rs2147281347, ClinGen allele CA2573159179.

ClinVar aggregate classification (germline): Uncertain significance. Review status: criteria provided, multiple submitters, no conflicts (2 of 4 stars). 2 submissions from 2 submitters: Uncertain significance (2). Last evaluated 2026-03-19.

Conditions:
Danon disease. Also called: ANTOPOL DISEASE; Glycogen Storage Disease Type IIb; PSEUDOGLYCOGENOSIS II; GSD IIb; LYSOSOMAL GLYCOGEN STORAGE DISEASE WITHOUT ACID MALTASE DEFICIENCY. Identifiers: Orphanet 34587, MedGen C0878677, MONDO:0010281, OMIM 300257.

Submissions (2):

Dasa
Classification: Uncertain significance. Last evaluated: 2026-03-19. Review status: criteria provided, single submitter. Criteria: DASA Assertion Criteria. Collection method: clinical testing. Allele origin: germline.
Comment: NM_002294.3(LAMP2):c.864+6T>C is a splice-region variant predicted to affect normal RNA splicing. This variant is absent from population databases. Computational prediction algorithms are consistent with a deleterious effect. The currently available literature and clinical evidence are not sufficient to establish a definitive association between this variant and the reported condition. Therefore, this variant is classified as a variant of uncertain significance.

Labcorp Genetics (formerly Invitae), Labcorp
Classification: Uncertain significance for Danon disease. Last evaluated: 2021-09-29. Review status: criteria provided, single submitter. Criteria: Invitae Variant Classification Sherloc (09022015). Collection method: clinical testing. Allele origin: germline.
Comment: This variant is not present in population databases (ExAC no frequency). In summary, the available evidence is currently insufficient to determine the role of this variant in disease. Therefore, it has been classified as a Variant of Uncertain Significance. Variants that disrupt the consensus splice site are a relatively common cause of aberrant splicing (PMID: 17576681, 9536098). Algorithms developed to predict the effect of sequence changes on RNA splicing suggest that this variant may disrupt the consensus splice site. This variant has not been reported in the literature in individuals affected with LAMP2-related conditions. This sequence change falls in intron 6 of the LAMP2 gene. It does not directly change the encoded amino acid sequence of the LAMP2 protein. It affects a nucleotide within the consensus splice site of the intron.

Literature cited by the submitters: PubMed 17576681 (cited by Labcorp Genetics (formerly Invitae), Labcorp); PubMed 9536098 (cited by Labcorp Genetics (formerly Invitae), Labcorp).